The following is an entry in ClinVar:

NC_000005.9:g.(?_178554940)_(178555139_?)del

Gene: ADAMTS2 (ADAM metallopeptidase with thrombospondin type 1 motif 2; minus strand). Cytogenetic location: 5q35.3.
Variant type: Deletion.
Identifiers: ClinVar variation 3246371 (VCV003246371.1).

ClinVar aggregate classification (germline): Pathogenic (1 of 4 stars; one submission).

Conditions:
Ehlers-Danlos syndrome, dermatosparaxis type. Also called: Ehlers-Danlos syndrome, type VII, autosomal recessive; EDS VIIC; Dermatosparaxis. Identifiers: Orphanet 1901, MedGen C2700425, MONDO:0009161, OMIM 225410.

Submission:

Labcorp Genetics (formerly Invitae), Labcorp
Classification: Pathogenic for Ehlers-Danlos syndrome, dermatosparaxis type. Last evaluated: 2023-08-31. Review status: criteria provided, single submitter. Criteria: Invitae Variant Classification Sherloc (09022015). Collection method: clinical testing. Allele origin: unknown.
Comment: This variant is a gross deletion of the genomic region encompassing exon(s) 17 of the ADAMTS2 gene. This deletion is out-of-frame, and is expected to create a premature termination codon and result in an absent or disrupted protein product. Loss-of-function variants in ADAMTS2 are known to be pathogenic (PMID: 10417273). This variant has not been reported in the literature in individuals affected with ADAMTS2-related conditions. For these reasons, this variant has been classified as Pathogenic.

Literature cited by the submitters: PubMed 10417273.